The following is an entry in ClinVar:

ClinVar aggregate classification (germline): Likely benign. Review status: criteria provided, single submitter (1 of 4 stars). 2 submissions from 2 submitters: Likely benign (1). 1 of the submissions does not count toward it. Last evaluated 2025-01-21.

Conditions:
FOXA2-related disorder. Also called: FOXA2-related condition.

Allele frequency attached by ClinVar (database versions not stated): gnomAD exomes 0.00011; gnomAD 0.00015; TOPMed 0.00025; ExAC 0.00033; 1000 Genomes Project 0.00060; 1000 Genomes Project 30x 0.00062.

Submissions (2):

Labcorp Genetics (formerly Invitae), Labcorp
Classification: Likely benign. Last evaluated: 2025-01-21. Review status: criteria provided, single submitter. Criteria: Invitae Variant Classification Sherloc (09022015). Collection method: clinical testing. Allele origin: germline.

PreventionGenetics, part of Exact Sciences
Classification: Likely benign for FOXA2-related condition. Last evaluated: 2022-02-15. Review status: no assertion criteria provided. Collection method: clinical testing. Allele origin: germline. Not counted in ClinVar's aggregate classification.
Comment: This variant is classified as likely benign based on ACMG/AMP sequence variant interpretation guidelines (Richards et al. 2015 PMID: 25741868, with internal and published modifications).

NM_021784.5(FOXA2):c.274G>A (p.Ala92Thr)

Gene: FOXA2 (forkhead box A2; minus strand). Cytogenetic location: 20p11.21.
Variant type: single nucleotide variant.
Coding change: c.274G>A on transcript NM_021784.5 (MANE Select); coding-DNA position 274, G replaced by A.
Protein change: p.Ala92Thr; replaces alanine 92 with threonine.
Molecular consequence: missense variant.
Genome position (GRCh38, 1-based): chr20:22,582,968, C>T on the plus strand (G>A on the coding strand, the complement: FOXA2 is on the minus strand). VCF-style: chr20-22582968-C-T. GRCh37 (hg19) VCF-style: chr20-22563606-C-T.
Other names: c.256G>A, p.Ala86Thr (NM_153675.3); c.274G>A (NM_021784.4); short protein forms A92T, A86T.
Identifiers: ClinVar variation 2179758 (VCV002179758.6), dbSNP rs199654135, ClinGen allele CA9787072.